The following is an entry in ClinVar:

ClinVar aggregate classification (germline): Pathogenic (1 of 4 stars; one submission).

Conditions:
Immunodeficiency 37 (IMD37). Identifiers: MedGen C4015195, MONDO:0014491, OMIM 616098.

Submission:

Labcorp Genetics (formerly Invitae), Labcorp
Classification: Pathogenic for Immunodeficiency 37. Last evaluated: 2025-03-10. Review status: criteria provided, single submitter. Criteria: Invitae Variant Classification Sherloc (09022015). Collection method: clinical testing. Allele origin: germline.
Comment: This sequence change creates a premature translational stop signal (p.Arg88*) in the BCL10 gene. It is expected to result in an absent or disrupted protein product. Loss-of-function variants in BCL10 are known to be pathogenic (PMID: 25365219, 32008135). This variant is present in population databases (rs770819167, gnomAD 0.0009%). This premature translational stop signal has been observed in individual(s) with combined immunodeficiency (PMID: 32008135). For these reasons, this variant has been classified as Pathogenic.

Literature cited by the submitters: PubMed 25365219; PubMed 32008135.

NM_003921.5(BCL10):c.262C>T (p.Arg88Ter)

Gene: BCL10 (BCL10 immune signaling adaptor; minus strand). Cytogenetic location: 1p22.3.
Variant type: single nucleotide variant.
Coding change: c.262C>T on transcript NM_003921.5 (MANE Select); coding-DNA position 262, C replaced by T.
Protein change: p.Arg88Ter; replaces arginine 88 with a stop codon.
Molecular consequence: nonsense.
Genome position (GRCh38, 1-based): chr1:85,270,702, G>A on the plus strand (C>T on the coding strand, the complement: BCL10 is on the minus strand). VCF-style: chr1-85270702-G-A. GRCh37 (hg19) VCF-style: chr1-85736385-G-A.
Other names: c.262C>T, p.Arg88Ter (NM_001320715.2); short protein forms R88*.
Identifiers: ClinVar variation 4691162 (VCV004691162.1).